The following is an entry in ClinVar:

NM_005359.6(SMAD4):c.1648C>T (p.Pro550Ser)

Gene: SMAD4 (SMAD family member 4; plus strand). Cytogenetic location: 18q21.2.
Variant type: single nucleotide variant.
Coding change: c.1648C>T on transcript NM_005359.6 (MANE Select); coding-DNA position 1648, C replaced by T.
Protein change: p.Pro550Ser; replaces proline 550 with serine.
Molecular consequence: missense variant.
Genome position (GRCh38, 1-based): chr18:51,078,456, C>T. VCF-style: chr18-51078456-C-T. GRCh37 (hg19) VCF-style: chr18-48604826-C-T.
Other names: short protein forms P550S.
Identifiers: ClinVar variation 944999 (VCV000944999.13), dbSNP rs1599205642, ClinGen allele CA402466226.
Genomic context (GRCh38, chr18:51,078,456, plus strand): 5'-CACCGGGCCCTCCAGCTCCTAGACGAAGTACTTCATACCATGCCGATTGCAGACCCACAA[C>T]CTTTAGACTGAGGTCTTTTACCGTTGGGGCCCTTAACCTTATCAGGATGGTGGACTACAA-3'
Protein context (NP_005350.1, residues 540-552): LHTMPIADPQ[Pro550Ser]LD

ClinVar aggregate classification (germline): Uncertain significance. Review status: criteria provided, multiple submitters, no conflicts (2 of 4 stars). 2 submissions from 2 submitters: Uncertain significance (2). Last evaluated 2025-05-19.

Conditions:
Juvenile polyposis syndrome (JPS). Identifiers: Orphanet 2929, MedGen C0345893, MONDO:0017380, OMIM 174900.
Hereditary cancer-predisposing syndrome. Also called: Neoplastic Syndromes, Hereditary; Hereditary neoplastic syndrome; Hereditary Cancer Syndrome; Tumor predisposition. Identifiers: Orphanet 140162, MedGen C0027672, MeSH D009386, MONDO:0015356.
Familial thoracic aortic aneurysm and aortic dissection (TAAD). Also called: Thoracic aortic aneurysms and dissections. Identifiers: Orphanet 91387, MedGen C4707243, MONDO:0019625.

Submissions (2):

Labcorp Genetics (formerly Invitae), Labcorp
Classification: Uncertain significance for Juvenile polyposis syndrome. Last evaluated: 2025-05-19. Review status: criteria provided, single submitter. Criteria: Invitae Variant Classification Sherloc (09022015). Collection method: clinical testing. Allele origin: germline.
Comment: This sequence change replaces proline, which is neutral and non-polar, with serine, which is neutral and polar, at codon 550 of the SMAD4 protein (p.Pro550Ser). This variant is not present in population databases (gnomAD no frequency). This variant has not been reported in the literature in individuals affected with SMAD4-related conditions. ClinVar contains an entry for this variant (Variation ID: 944999). Invitae Evidence Modeling of protein sequence and biophysical properties (such as structural, functional, and spatial information, amino acid conservation, physicochemical variation, residue mobility, and thermodynamic stability) indicates that this missense variant is not expected to disrupt SMAD4 protein function with a negative predictive value of 95%. In summary, the available evidence is currently insufficient to determine the role of this variant in disease. Therefore, it has been classified as a Variant of Uncertain Significance.

Ambry Genetics
Classification: Uncertain significance for Hereditary cancer-predisposing syndrome; Familial thoracic aortic aneurysm and aortic dissection. Last evaluated: 2025-05-14. Review status: criteria provided, single submitter. Criteria: Ambry Variant Classification Scheme 2023. Collection method: clinical testing. Allele origin: germline.
Comment: The p.P550S variant (also known as c.1648C>T), located in coding exon 11 of the SMAD4 gene, results from a C to T substitution at nucleotide position 1648. The proline at codon 550 is replaced by serine, an amino acid with similar properties. This amino acid position is highly conserved in available vertebrate species. In addition, the in silico prediction for this alteration is inconclusive. Based on the available evidence, the clinical significance of this variant remains unclear.